The following is an entry in ClinVar:

ClinVar aggregate classification (germline): Uncertain significance (1 of 4 stars; one submission).

Conditions:
SIN3B-related disorder. Also called: SIN3B-related condition.

Submission:

3billion
Classification: Uncertain significance for SIN3B-related disorder. Last evaluated: 2025-11-05. Review status: criteria provided, single submitter. Criteria: ACMG Guidelines, 2015. Collection method: clinical testing. Allele origin: germline. Affected: yes.
Comment: The variant is not observed in the gnomAD v4.1.0 dataset. Predicted Consequence/Location: Canonical splice site: predicted to alter splicing and result in a loss or disruption of normal protein function. Multiple pathogenic loss-of-function variants are reported downstream of the variant. In silico tools predict the variant to alter splicing and produce an abnormal transcript [SpliceAI: 1.00 (spliceogenicity >=0.2, non-spliceogenicity <0.1)]. Therefore, this variant is classified as VUS according to the recommendation of ACMG/AMP guideline.

NM_001297595.2(SIN3B):c.1384-2A>G

Gene: SIN3B (SIN3 transcription regulator family member B; plus strand). Cytogenetic location: 19p13.11.
Variant type: single nucleotide variant.
Coding change: c.1384-2A>G on transcript NM_001297595.2 (MANE Select); the canonical splice acceptor site of the intron before coding-DNA position 1384, A replaced by G.
Molecular consequence: splice acceptor variant.
Genome position (GRCh38, 1-based): chr19:16,865,408, A>G. VCF-style: chr19-16865408-A-G. GRCh37 (hg19) VCF-style: chr19-16976219-A-G.
Other names: c.1480-2A>G (NM_015260.4); c.154-2A>G (NM_001297597.2).
Identifiers: ClinVar variation 4855159 (VCV004855159.1).
Genomic context (GRCh38, chr19:16,865,408, plus strand): 5'-CTCCTCTCTGAGGCCTCTTGAGTTCCCCAGTGGCTGACCCCGTCCTGCCTTCCTTTCCAT[A>G]GTTAGACGTTGTCCTGGAGACGAACCTGGCCACAATCCGTGTGTTGGAAAGTGTGCAGAA-3'